The following is an entry in ClinVar:

NM_014252.4(SLC25A15):c.44C>T (p.Ala15Val)

Gene: SLC25A15 (solute carrier family 25 member 15; plus strand). Cytogenetic location: 13q14.11.
Variant type: single nucleotide variant.
Coding change: c.44C>T on transcript NM_014252.4 (MANE Select); coding-DNA position 44, C replaced by T.
Protein change: p.Ala15Val; replaces alanine 15 with valine.
Molecular consequence: missense variant.
Genome position (GRCh38, 1-based): chr13:40,793,270, C>T. VCF-style: chr13-40793270-C-T. GRCh37 (hg19) VCF-style: chr13-41367406-C-T.
Other names: short protein forms A15V.
Identifiers: ClinVar variation 973537 (VCV000973537.4), dbSNP rs202247806, ClinGen allele CA387916326.

ClinVar aggregate classification (germline): Pathogenic/Likely pathogenic. Review status: criteria provided, multiple submitters, no conflicts (2 of 4 stars). 3 submissions from 3 submitters: Pathogenic (1); Likely pathogenic (2). Last evaluated 2025-03-10.

Conditions:
Hyperornithinemia-hyperammonemia-homocitrullinuria syndrome (HHHS). Also called: Ornithine translocase deficiency; HHH SYNDROME. Identifiers: Orphanet 415, MedGen C0268540, MONDO:0009393, OMIM 238970.

Allele frequency attached by ClinVar (database versions not stated): gnomAD exomes below 0.00001 and 0.00001; gnomAD 0.00001; TOPMed 0.00001.
gnomAD v4.1: 11 of 1,613,602 alleles (0.00068%); highest among the groups gnomAD compares: Admixed American, 0.0017%; no homozygotes.

Submissions (3):

Natera, Inc.
Classification: Likely pathogenic for Hyperornithinemia-hyperammonemia-homocitrullinuria syndrome. Last evaluated: 2025-03-10. Review status: criteria provided, single submitter. Criteria: Natera Variant Classification Schema (03/2026). Collection method: clinical testing. Allele origin: germline.
Comment: The c.44C>T variant in SLC25A15 is a missense variant predicted to cause substitution of alanine to valine at amino acid 15. This variant is rare in the general population with a frequency below the threshold expected for the associated phenotype(s). This variant has been observed in one or more individuals affected with the associated recessive disease, as either homozygous or compound heterozygous with a second variant (PMID: 24721342, 33083013). This variant has been identified in one or more affected individual with a phenotype highly consistent with the associated gene (PMID: 24721342). Computational prediction algorithms indicate this variant is likely to affect gene or protein function. Given the available evidence, this variant is classified as Likely Pathogenic.

Women's Health and Genetics/Laboratory Corporation of America, LabCorp
Classification: Pathogenic for Hyperornithinemia-hyperammonemia-homocitrullinuria syndrome. Last evaluated: 2025-02-19. Review status: criteria provided, single submitter. Criteria: LabCorp Variant Classification Summary - May 2015. Collection method: clinical testing. Allele origin: germline.
Comment: Variant summary: SLC25A15 c.44C>T (p.Ala15Val) results in a non-conservative amino acid change in the encoded protein sequence. Five of five in-silico tools predict a damaging effect of the variant on protein function. The variant allele was found at a frequency of 4e-06 in 250614 control chromosomes. c.44C>T has been reported at a homozygous state in the literature in at-least two individuals affected with Hyperornithinemia-Hyperammonemia-Homocitrullinuria Syndrome (Cheema_2020, Tunal_2014). These data indicate that the variant is likely to be associated with disease. At least one publication reports experimental evidence evaluating an impact on protein function. The most pronounced variant effect results in abolished transport activity and failure to rescue the normal growth in a knock-out E. coli strain(Tunal_2014). The following publications have been ascertained in the context of this evaluation (PMID: 33083013, 24721342). ClinVar contains an entry for this variant (Variation ID: 973537). Based on the evidence outlined above, the variant was classified as pathogenic.

CENTOGENE GmbH and LLC - Guiding Precision Medicine
Classification: Likely pathogenic for Hyperornithinemia-hyperammonemia-homocitrullinuria syndrome. Review status: criteria provided, single submitter. Criteria: ACMG Guidelines, 2015. Collection method: clinical testing. Allele origin: germline. Affected: yes.

Literature cited by the submitters: PubMed 24721342 (cited by Natera, Inc. and Women's Health and Genetics/Laboratory Corporation of America, LabCorp); PubMed 33083013 (cited by Natera, Inc. and Women's Health and Genetics/Laboratory Corporation of America, LabCorp).